The following is an entry in ClinVar:

ClinVar aggregate classification (germline): Uncertain significance. Review status: criteria provided, multiple submitters, no conflicts (2 of 4 stars). 3 submissions from 3 submitters: Uncertain significance (3). Last evaluated 2023-06-21.

Conditions:
Hereditary cancer-predisposing syndrome. Also called: Tumor predisposition; Hereditary Cancer Syndrome; Hereditary neoplastic syndrome; Neoplastic Syndromes, Hereditary. Identifiers: Orphanet 140162, MedGen C0027672, MeSH D009386, MONDO:0015356.
Multiple endocrine neoplasia, type 2 (MEN2). Identifiers: Orphanet 653, MedGen C4048306, MONDO:0019003. Disease mechanism: gain of function.

Submissions (3):

Labcorp Genetics (formerly Invitae), Labcorp
Classification: Uncertain significance for Multiple endocrine neoplasia, type 2. Last evaluated: 2023-06-21. Review status: criteria provided, single submitter. Criteria: Invitae Variant Classification Sherloc (09022015). Collection method: clinical testing. Allele origin: germline.
Comment: In summary, the available evidence is currently insufficient to determine the role of this variant in disease. Therefore, it has been classified as a Variant of Uncertain Significance. This variant is not present in population databases (gnomAD no frequency). This sequence change replaces proline, which is neutral and non-polar, with histidine, which is basic and polar, at codon 162 of the RET protein (p.Pro162His). This variant has not been reported in the literature in individuals affected with RET-related conditions. ClinVar contains an entry for this variant (Variation ID: 1480894). An algorithm developed to predict the effect of missense changes on protein structure and function (PolyPhen-2) suggests that this variant is likely to be disruptive.

GeneDx
Classification: Uncertain significance. Last evaluated: 2023-06-06. Review status: criteria provided, single submitter. Criteria: GeneDx Variant Classification Process June 2021. Collection method: clinical testing. Allele origin: germline. Affected: yes.
Comment: Not observed at significant frequency in large population cohorts (gnomAD); In silico analysis supports that this missense variant does not alter protein structure/function; Has not been previously published as pathogenic or benign to our knowledge; This variant is associated with the following publications: (PMID: 14633923)

Ambry Genetics
Classification: Uncertain significance for Hereditary cancer-predisposing syndrome. Last evaluated: 2023-03-15. Review status: criteria provided, single submitter. Criteria: Ambry Variant Classification Scheme 2023. Collection method: clinical testing. Allele origin: germline.
Comment: The p.P162H variant (also known as c.485C>A), located in coding exon 3 of the RET gene, results from a C to A substitution at nucleotide position 485. The proline at codon 162 is replaced by histidine, an amino acid with similar properties. This amino acid position is conserved. In addition, this alteration is predicted to be tolerated by in silico analysis. Since supporting evidence is limited at this time, the clinical significance of this alteration remains unclear.

NM_020975.6(RET):c.485C>A (p.Pro162His)

Gene: RET (ret proto-oncogene; plus strand). Cytogenetic location: 10q11.21.
Variant type: single nucleotide variant.
Coding change: c.485C>A on transcript NM_020975.6 (MANE Select); coding-DNA position 485, C replaced by A.
Protein change: p.Pro162His; replaces proline 162 with histidine.
Molecular consequence: missense variant.
Genome position (GRCh38, 1-based): chr10:43,102,489, C>A. VCF-style: chr10-43102489-C-A. GRCh37 (hg19) VCF-style: chr10-43597937-C-A.
Other names: c.485C>A, p.Pro162His (NM_001406780.1, NM_001406781.1, NM_001406782.1 and 16 more transcripts); c.356C>A, p.Pro119His (NM_001406783.1, NM_001406786.1, NM_001406761.1 and 4 more transcripts); short protein forms P162H, P119H.
Identifiers: ClinVar variation 1480894 (VCV001480894.10), dbSNP rs1205703835, ClinGen allele CA376543221.
Genomic context (GRCh38, chr10:43,102,489, plus strand): 5'-GTGCCCGCGTATACTTCTCCTTCTTCAACACCTCCTTTCCAGCCTGCAGCTCCCTCAAGC[C>A]CCGGGAGCTCTGCTTCCCAGAGACAAGGCCCTCCTTCCGCATTCGGGAGAACCGACCCCC-3'
Protein context (NP_066124.1, residues 152-172): TSFPACSSLK[Pro162His]RELCFPETRP